The following is an entry in ClinVar:

ClinVar aggregate classification (germline): Likely pathogenic (1 of 4 stars; one submission).

Conditions:
Primary dilated cardiomyopathy (DCM). Also called: Dilated Cardiomyopathy. Identifiers: Orphanet 217604, MedGen C0007193, MeSH D002311, MONDO:0005021, HP:0001644. Inheritance: Various modes of inheritance.

Submission:

Laboratory for Molecular Medicine, Mass General Brigham Personalized Medicine
Classification: Likely pathogenic for Primary dilated cardiomyopathy. Last evaluated: 2017-11-02. Review status: criteria provided, single submitter. Criteria: ACMG Guidelines, 2015. Collection method: clinical testing. Allele origin: germline. Inheritance: Autosomal dominant inheritance.
Comment: The p.Tyr23239X variant in TTN has not been previously reported in individuals with DCM and was absent from large population studies. This nonsense variant leads to a premature termination codon at position 23239, which is predicted to lead to a truncated or absent protein. Nonsense and other truncating variants in TTN are strongly associated with DCM if they impact the exons encoding for the A-band (Herman 2012, Pugh 2014) and/or are located in an exon that is highly expressed in the heart (Roberts 2015). The p.Tyr23239X variant is located in A-band in the highly expressed exon 275. In summary, although additional studies are required to fully establish its clinical significance, the p.Tyr23239X variant is likely pathogenic. ACMG/AMP Criteria applied: PVS1; PM2.

NM_001267550.2(TTN):c.77421C>A (p.Tyr25807Ter)

Genes: TTN (titin; minus strand), TTN-AS1 (TTN antisense RNA 1; plus strand). Cytogenetic location: 2q31.2.
Variant type: single nucleotide variant.
Coding change: c.77421C>A on transcript NM_001267550.2 (MANE Select); coding-DNA position 77421, C replaced by A.
Protein change: p.Tyr25807Ter; replaces tyrosine 25807 with a stop codon.
Molecular consequence: nonsense.
Genome position (GRCh38, 1-based): chr2:178,568,711, G>T on the plus strand (C>A on the coding strand, the complement: TTN is on the minus strand). VCF-style: chr2-178568711-G-T. GRCh37 (hg19) VCF-style: chr2-179433438-G-T.
Other names: c.72498C>A, p.Tyr24166Ter (NM_001256850.1); c.50226C>A, p.Tyr16742Ter (NM_003319.4); c.69717C>A, p.Tyr23239Ter (NM_133378.4); c.50601C>A, p.Tyr16867Ter (NM_133432.3); c.50802C>A, p.Tyr16934Ter (NM_133437.4); short protein forms Y16742*, Y16867*, Y16934*, Y23239*, Y24166*, Y25807*.
Identifiers: ClinVar variation 3076051 (VCV003076051.1), dbSNP rs1354210851, ClinGen allele CA349610582.